The following is an entry in ClinVar:

NM_001298.3(CNGA3):c.1561A>G (p.Ile521Val)

Gene: CNGA3 (cyclic nucleotide gated channel subunit alpha 3; plus strand). Cytogenetic location: 2q11.2.
Variant type: single nucleotide variant.
Coding change: c.1561A>G on transcript NM_001298.3 (MANE Select); coding-DNA position 1561, A replaced by G.
Protein change: p.Ile521Val; replaces isoleucine 521 with valine.
Molecular consequence: missense variant.
Genome position (GRCh38, 1-based): chr2:98,396,731, A>G. VCF-style: chr2-98396731-A-G. GRCh37 (hg19) VCF-style: chr2-99013194-A-G.
Other names: c.1507A>G, p.Ile503Val (NM_001079878.2); short protein forms I521V, I503V.
Identifiers: ClinVar variation 2758626 (VCV002758626.3), dbSNP rs2467031586, ClinGen allele CA347833814.

ClinVar aggregate classification (germline): Uncertain significance (1 of 4 stars; one submission).

Submission:

Labcorp Genetics (formerly Invitae), Labcorp
Classification: Uncertain significance. Last evaluated: 2023-09-06. Review status: criteria provided, single submitter. Criteria: Invitae Variant Classification Sherloc (09022015). Collection method: clinical testing. Allele origin: germline.
Comment: This sequence change replaces isoleucine, which is neutral and non-polar, with valine, which is neutral and non-polar, at codon 521 of the CNGA3 protein (p.Ile521Val). This variant is not present in population databases (gnomAD no frequency). This variant has not been reported in the literature in individuals affected with CNGA3-related conditions. Advanced modeling of protein sequence and biophysical properties (such as structural, functional, and spatial information, amino acid conservation, physicochemical variation, residue mobility, and thermodynamic stability) performed at Invitae indicates that this missense variant is expected to disrupt CNGA3 protein function. In summary, the available evidence is currently insufficient to determine the role of this variant in disease. Therefore, it has been classified as a Variant of Uncertain Significance.